The following is an entry in ClinVar:

NM_000069.3(CACNA1S):c.2063+1G>C

Gene: CACNA1S (calcium voltage-gated channel subunit alpha1 S; minus strand). Cytogenetic location: 1q32.1.
Variant type: single nucleotide variant.
Coding change: c.2063+1G>C on transcript NM_000069.3 (MANE Select); the canonical splice donor site of the intron after coding-DNA position 2063, G replaced by C.
Molecular consequence: splice donor variant.
Genome position (GRCh38, 1-based): chr1:201,074,505, C>G on the plus strand (G>C on the coding strand, the complement: CACNA1S is on the minus strand). VCF-style: chr1-201074505-C-G. GRCh37 (hg19) VCF-style: chr1-201043633-C-G.
Identifiers: ClinVar variation 4757547 (VCV004757547.1).

ClinVar aggregate classification (germline): Uncertain significance (1 of 4 stars; one submission).

Conditions:
Malignant hyperthermia, susceptibility to, 5 (MHS5). Also called: CACNA1S-Related Malignant Hyperthermia Susceptibility. Identifiers: Orphanet 423, MedGen C1866077, MONDO:0011163, OMIM 601887.

Submission:

Color Diagnostics, LLC DBA Color Health
Classification: Uncertain significance for Malignant hyperthermia, susceptibility to, 5. Last evaluated: 2025-07-07. Review status: criteria provided, single submitter. Criteria: ACMG Guidelines, 2015. Collection method: clinical testing. Allele origin: germline.
Comment: This variant causes a G to C nucleotide substitution at +1 position in intron 14 in the CACNA1S gene. To our knowledge, functional studies have not been reported for this variant. This variant has not been reported in individuals affected with CACNA1S-related disorders in the literature. This variant has not been identified in the general population by the Genome Aggregation Database (gnomAD). The available evidence is insufficient to determine the role of this variant in malignant hyperthermia susceptibility conclusively. Therefore, this variant is classified as a Variant of Uncertain Significance.